The following is an entry in ClinVar:

NM_024675.4(PALB2):c.2296_2297del (p.Val767fs)

Gene: PALB2 (partner and localizer of BRCA2; minus strand). Cytogenetic location: 16p12.2.
Variant type: Deletion.
Coding change: c.2296_2297del on transcript NM_024675.4 (MANE Select); coding-DNA positions 2296 to 2297, 2 bases deleted (TC; older notation c.2296_2297delTC).
Protein change: p.Val767fs; shifts the reading frame from valine 767.
Molecular consequence: frameshift variant.
Genome position (GRCh38, 1-based): chr16:23,629,857-23,629,858, GA deleted on the plus strand (TC on the coding strand, the reverse complement: PALB2 is on the minus strand); deleting any 2 consecutive bases within chr16:23,629,857-23,629,859 gives the same sequence; the c. name uses the placement nearest the transcript's 3' end. VCF-style (leftmost placement, unchanged base first): chr16-23629856-TGA-T. GRCh37 (hg19) VCF-style: chr16-23641177-TGA-T.
Other names: c.2296_2297delTC (NM_024675.3).
Identifiers: ClinVar variation 229748 (VCV000229748.41), dbSNP rs876658170, ClinGen allele CA10579975.

ClinVar aggregate classification (germline): Pathogenic. Review status: criteria provided, multiple submitters, no conflicts (2 of 4 stars). 5 submissions from 5 submitters: Pathogenic (5). Last evaluated 2026-01-06.

Conditions:
Hereditary cancer-predisposing syndrome. Also called: Neoplastic Syndromes, Hereditary; Hereditary Cancer Syndrome; Tumor predisposition; Hereditary neoplastic syndrome. Identifiers: Orphanet 140162, MedGen C0027672, MeSH D009386, MONDO:0015356.
Familial cancer of breast. Also called: Hereditary breast cancer; hereditary breast carcinoma; BREAST CANCER, FAMILIAL. Identifiers: Orphanet 227535, MedGen C0346153, MONDO:0016419, OMIM 114480. Disease mechanism: loss of function.

Submissions (5):

Labcorp Genetics (formerly Invitae), Labcorp
Classification: Pathogenic for Familial cancer of breast. Last evaluated: 2026-01-06. Review status: criteria provided, single submitter. Criteria: Invitae Variant Classification Sherloc (09022015). Collection method: clinical testing. Allele origin: germline.
Comment: This sequence change creates a premature translational stop signal (p.Val767Leufs*5) in the PALB2 gene. It is expected to result in an absent or disrupted protein product. Loss-of-function variants in PALB2 are known to be pathogenic (PMID: 17200668, 17200671, 17200672, 24136930, 25099575). This variant is not present in population databases (gnomAD no frequency). This variant has not been reported in the literature in individuals affected with PALB2-related conditions. ClinVar contains an entry for this variant (Variation ID: 229748). For these reasons, this variant has been classified as Pathogenic.

Ambry Genetics
Classification: Pathogenic for Hereditary cancer-predisposing syndrome. Last evaluated: 2024-02-22. Review status: criteria provided, single submitter. Criteria: Ambry Variant Classification Scheme 2023. Collection method: clinical testing. Allele origin: germline.
Comment: The c.2296_2297delTC pathogenic mutation, located in coding exon 5 of the PALB2 gene, results from a deletion of two nucleotides at nucleotide positions 2296 to 2297, causing a translational frameshift with a predicted alternate stop codon (p.V767Lfs*5). This alteration is expected to result in loss of function by premature protein truncation or nonsense-mediated mRNA decay. As such, this alteration is interpreted as a disease-causing mutation.

CeGaT Center for Human Genetics Tuebingen
Classification: Pathogenic. Last evaluated: 2024-01-01. Review status: criteria provided, single submitter. Criteria: CeGaT Center For Human Genetics Tuebingen Variant Classification Criteria Version 2. Collection method: clinical testing. Allele origin: germline. Affected: yes. Observed: 1 variant allele.
Comment: PALB2: PVS1, PM2, PS4:Moderate

Myriad Genetics, Inc.
Classification: Pathogenic for Familial cancer of breast. Last evaluated: 2023-09-12. Review status: criteria provided, single submitter. Criteria: Myriad Autosomal Dominant, Autosomal Recessive and X-Linked Classification Criteria (2023). Collection method: clinical testing. Allele origin: unknown.
Comment: This variant is considered pathogenic. This variant creates a frameshift predicted to result in premature protein truncation.

GeneDx
Classification: Pathogenic. Last evaluated: 2018-09-19. Review status: criteria provided, single submitter. Criteria: GeneDx Variant Classification (06012015). Collection method: clinical testing. Allele origin: germline. Affected: yes.
Comment: This deletion of 2 nucleotides in PALB2 is denoted c.2296_2297delTC at the cDNA level and p.Val767LeufsX5 (V767LfsX5) at the protein level. The normal sequence, with the bases that are deleted in brackets, is AGAC[delTC]AGTC. The deletion causes a frameshift which changes a Valine to a Leucine at codon 767, and creates a premature stop codon at position 5 of the new reading frame. Although this variant has not, to our knowledge, been reported in the literature, it is predicted to cause loss of normal protein function through either protein truncation or nonsense-mediated mRNA decay, and is considered to be pathogenic.

Literature cited by the submitters: PubMed 17200668 (cited by Labcorp Genetics (formerly Invitae), Labcorp); PubMed 17200671 (cited by Labcorp Genetics (formerly Invitae), Labcorp); PubMed 17200672 (cited by Labcorp Genetics (formerly Invitae), Labcorp); PubMed 24136930 (cited by Labcorp Genetics (formerly Invitae), Labcorp); PubMed 25099575 (cited by Labcorp Genetics (formerly Invitae), Labcorp).